The following is an entry in ClinVar:

ClinVar aggregate classification (germline): Likely benign. Review status: criteria provided, multiple submitters, no conflicts (2 of 4 stars). 4 submissions from 4 submitters: Likely benign (3). 1 of the submissions does not count toward it. Last evaluated 2026-10-01.

Conditions:
Charcot-Marie-Tooth disease type 2. Also called: Charcot-Marie-Tooth type 2. Identifiers: Orphanet 64746, MedGen C0270914, MONDO:0018993.
KIF1B-related disorder. Also called: KIF1B-related condition.

Allele frequency attached by ClinVar (database versions not stated): gnomAD exomes below 0.00001 and 0.00002; ExAC 0.00001; TOPMed 0.00002; gnomAD 0.00003.

Submissions (4):

CeGaT Center for Human Genetics Tuebingen
Classification: Likely benign. Last evaluated: 2026-10-01. Review status: criteria provided, single submitter. Criteria: CeGaT Center For Human Genetics Tuebingen Variant Classification Criteria Version 2. Collection method: clinical testing. Allele origin: germline. Affected: yes. Observed: 2 variant alleles.
Comment: KIF1B: BP4, BP7

Labcorp Genetics (formerly Invitae), Labcorp
Classification: Likely benign for Charcot-Marie-Tooth disease type 2. Last evaluated: 2024-07-24. Review status: criteria provided, single submitter. Criteria: Invitae Variant Classification Sherloc (09022015). Collection method: clinical testing. Allele origin: germline.

Ambry Genetics
Classification: Likely benign. Last evaluated: 2021-04-16. Review status: criteria provided, single submitter. Criteria: Ambry Variant Classification Scheme 2023. Collection method: clinical testing. Allele origin: germline.

PreventionGenetics, part of Exact Sciences
Classification: Likely benign for KIF1B-related condition. Last evaluated: 2022-10-05. Review status: no assertion criteria provided. Collection method: clinical testing. Allele origin: germline. Not counted in ClinVar's aggregate classification.
Comment: This variant is classified as likely benign based on ACMG/AMP sequence variant interpretation guidelines (Richards et al. 2015 PMID: 25741868, with internal and published modifications).

NM_001365951.3(KIF1B):c.1122G>A (p.Glu374=)

Gene: KIF1B (kinesin family member 1B; plus strand). Cytogenetic location: 1p36.22.
Variant type: single nucleotide variant.
Coding change: c.1122G>A on transcript NM_001365951.3 (MANE Select); coding-DNA position 1122, G replaced by A.
Protein change: p.Glu374=; no amino-acid change (glutamic acid 374 retained).
Molecular consequence: synonymous variant.
Genome position (GRCh38, 1-based): chr1:10,278,070, G>A. VCF-style: chr1-10278070-G-A. GRCh37 (hg19) VCF-style: chr1-10338128-G-A.
Other names: c.1122G>A, p.Glu374= (NM_001365952.1); c.1104G>A, p.Glu368= (NM_001365953.1, NM_015074.3, NM_183416.4).
Identifiers: ClinVar variation 543281 (VCV000543281.35), dbSNP rs774770887, ClinGen allele CA580890.